The following is an entry in ClinVar:

NM_152296.5(ATP1A3):c.1807-2A>G

Gene: ATP1A3 (ATPase Na+/K+ transporting subunit alpha 3; minus strand). Cytogenetic location: 19q13.2.
Variant type: single nucleotide variant.
Coding change: c.1807-2A>G on transcript NM_152296.5 (MANE Select); the canonical splice acceptor site of the intron before coding-DNA position 1807, A replaced by G.
Molecular consequence: splice acceptor variant.
Genome position (GRCh38, 1-based): chr19:41,978,074, T>C on the plus strand (A>G on the coding strand, the complement: ATP1A3 is on the minus strand). VCF-style: chr19-41978074-T-C. GRCh37 (hg19) VCF-style: chr19-42482226-T-C.
Other names: c.1846-2A>G (NM_001256214.2); c.1840-2A>G (NM_001256213.2).
Identifiers: ClinVar variation 2857062 (VCV002857062.3), dbSNP rs2514054212, ClinGen allele CA406045338.
Genomic context (GRCh38, chr19:41,978,074, plus strand): 5'-CCCACACCCTTGGCAATGGCCTTGGCCGTGATGGGGTGATCGCCGGTGACCATGATGACC[T>C]GCAGGCATTGTTTTTTAGGGATGGCCTCTCCCGCCCCACGCCTGGCTTTGCCTCCCCCAG-3'

ClinVar aggregate classification (germline): Likely pathogenic (1 of 4 stars; one submission).

Conditions:
Dystonia 12 (DYT12). Also called: DYT-ATP1A3; Rapid-Onset Dystonia-Parkinsonism (RDP). Identifiers: Orphanet 71517, MedGen C1868681, MONDO:0007496, OMIM 128235.

Submission:

Labcorp Genetics (formerly Invitae), Labcorp
Classification: Likely pathogenic for Dystonia 12. Last evaluated: 2023-12-11. Review status: criteria provided, single submitter. Criteria: Invitae Variant Classification Sherloc (09022015). Collection method: clinical testing. Allele origin: germline.
Comment: This sequence change affects an acceptor splice site in intron 13 of the ATP1A3 gene. It is expected to disrupt RNA splicing. Variants that disrupt the donor or acceptor splice site typically lead to a loss of protein function (PMID: 16199547), and loss-of-function variants in ATP1A3 are known to be pathogenic (PMID: 24631656, 24983657). This variant is not present in population databases (gnomAD no frequency). This variant has not been reported in the literature in individuals affected with ATP1A3-related conditions. Algorithms developed to predict the effect of sequence changes on RNA splicing suggest that this variant may disrupt the consensus splice site. In summary, the currently available evidence indicates that the variant is pathogenic, but additional data are needed to prove that conclusively. Therefore, this variant has been classified as Likely Pathogenic.

Literature cited by the submitters: PubMed 16199547; PubMed 24631656; PubMed 24983657.